The following is an entry in ClinVar:

ClinVar aggregate classification (germline): Uncertain significance. Review status: criteria provided, multiple submitters, no conflicts (2 of 4 stars). 2 submissions from 2 submitters: Uncertain significance (2). Last evaluated 2025-02-01.

Allele frequency attached by ClinVar (database versions not stated): gnomAD exomes 0.00010; gnomAD 0.00013; ExAC 0.00014; TOPMed 0.00014; ESP Exome Variant Server 0.00015.
gnomAD v4.1: 164 of 1,592,628 alleles (0.01%); highest among the groups gnomAD compares: Middle Eastern, 0.066%; no homozygotes.

Submissions (2):

CeGaT Center for Human Genetics Tuebingen
Classification: Uncertain significance. Last evaluated: 2025-02-01. Review status: criteria provided, single submitter. Criteria: CeGaT Center For Human Genetics Tuebingen Variant Classification Criteria Version 2. Collection method: clinical testing. Allele origin: germline. Affected: yes. Observed: 1 variant allele.
Comment: VWA8: PM2

Ambry Genetics
Classification: Uncertain significance. Last evaluated: 2024-05-31. Review status: criteria provided, single submitter. Criteria: Ambry Variant Classification Scheme 2023. Collection method: clinical testing. Allele origin: germline.

NM_015058.2(VWA8):c.845G>A (p.Gly282Glu)

Gene: VWA8 (von Willebrand factor A domain containing 8; minus strand). Cytogenetic location: 13q14.11.
Variant type: single nucleotide variant.
Coding change: c.845G>A on transcript NM_015058.2 (MANE Select); coding-DNA position 845, G replaced by A.
Protein change: p.Gly282Glu; replaces glycine 282 with glutamic acid.
Molecular consequence: missense variant.
Genome position (GRCh38, 1-based): chr13:41,886,802, C>T on the plus strand (G>A on the coding strand, the complement: VWA8 is on the minus strand). VCF-style: chr13-41886802-C-T. GRCh37 (hg19) VCF-style: chr13-42460938-C-T.
Other names: c.845G>A, p.Gly282Glu (NM_001009814.2); short protein forms G282E.
Identifiers: ClinVar variation 2391696 (VCV002391696.16), dbSNP rs375902474, ClinGen allele CA6964652.